The following is an entry in ClinVar:

NM_170606.3(KMT2C):c.9072C>T (p.Ser3024=)

Gene: KMT2C (lysine methyltransferase 2C; minus strand). Cytogenetic location: 7q36.1.
Variant type: single nucleotide variant.
Coding change: c.9072C>T on transcript NM_170606.3 (MANE Select); coding-DNA position 9072, C replaced by T.
Protein change: p.Ser3024=; no amino-acid change (serine 3024 retained).
Molecular consequence: synonymous variant.
Genome position (GRCh38, 1-based): chr7:152,176,381, G>A on the plus strand (C>T on the coding strand, the complement: KMT2C is on the minus strand). VCF-style: chr7-152176381-G-A. GRCh37 (hg19) VCF-style: chr7-151873466-G-A.
Identifiers: ClinVar variation 3029018 (VCV003029018.2), dbSNP rs763751547, ClinGen allele CA4579564.
Genomic context (GRCh38, chr7:152,176,381, plus strand): 5'-CCTCTCTCTATTCTGCTGTGCTAATGTTTGAGGAATCATTAGCTGTTGGGGTCCAGACAT[G>A]CTACTGGTACCAGACTGACTTGTTTGAGGCCCAGTTTGAGTTGCAGGTTTTCCTGTCCCC-3'
Protein context (NP_733751.2, residues 3014-3034): GPQTSQSGTS[Ser3024=]MSGPQQLMIP

ClinVar aggregate classification (germline): Likely benign (0 of 4 stars; one submission).

Conditions:
KMT2C-related disorder. Also called: KMT2C-related disorders; KMT2C-related condition.

Allele frequency attached by ClinVar (database versions not stated): gnomAD exomes below 0.00001; ExAC 0.00001; gnomAD 0.00001.
gnomAD v4.1: 5 of 1,613,988 alleles (0.00031%); highest among the groups gnomAD compares: South Asian, 0.0022%; no homozygotes.

Submission:

PreventionGenetics, part of Exact Sciences
Classification: Likely benign for KMT2C-related condition. Last evaluated: 2022-06-27. Review status: no assertion criteria provided. Collection method: clinical testing. Allele origin: germline.
Comment: This variant is classified as likely benign based on ACMG/AMP sequence variant interpretation guidelines (Richards et al. 2015 PMID: 25741868, with internal and published modifications).